The following is an entry in ClinVar:

ClinVar aggregate classification (germline): Uncertain significance (1 of 4 stars; one submission).

Conditions:
Brain small vessel disease 2A, autosomal dominant. Also called: Porencephaly 2. Identifiers: Orphanet 2940, Orphanet 99810, MedGen C3280970, MONDO:0013773, OMIM 614483.

Submission:

3billion
Classification: Uncertain significance for Brain small vessel disease 2A, autosomal dominant. Last evaluated: 2025-06-18. Review status: criteria provided, single submitter. Criteria: ACMG Guidelines, 2015. Collection method: clinical testing. Allele origin: germline. Affected: yes.
Comment: The variant is not observed in the gnomAD v4.1.0 dataset. Predicted Consequence/Location: Intron variant In silico tools predict the variant to alter splicing and produce an abnormal transcript [SpliceAI: 0.65 (>=0.2, moderate evidence for spliceogenicity)]. Therefore, this variant is classified as VUS according to the recommendation of ACMG/AMP guideline.

NM_001846.4(COL4A2):c.912+3A>G

Gene: COL4A2 (collagen type IV alpha 2 chain; plus strand). Cytogenetic location: 13q34.
Variant type: single nucleotide variant.
Coding change: c.912+3A>G on transcript NM_001846.4 (MANE Select); 3 bases into the intron after coding-DNA position 912, A replaced by G.
Molecular consequence: intron variant.
Genome position (GRCh38, 1-based): chr13:110,438,671, A>G. VCF-style: chr13-110438671-A-G. GRCh37 (hg19) VCF-style: chr13-111091018-A-G.
Identifiers: ClinVar variation 4855551 (VCV004855551.1).